The following is an entry in ClinVar:

NM_000142.5(FGFR3):c.883G>T (p.Gly295Cys)

Gene: FGFR3 (fibroblast growth factor receptor 3; plus strand). Cytogenetic location: 4p16.3.
Variant type: single nucleotide variant.
Coding change: c.883G>T on transcript NM_000142.5 (MANE Select); coding-DNA position 883, G replaced by T.
Protein change: p.Gly295Cys; replaces glycine 295 with cysteine.
Molecular consequence: missense variant. On other transcripts: non-coding transcript variant (1).
Genome position (GRCh38, 1-based): chr4:1,801,978, G>T. VCF-style: chr4-1801978-G-T. GRCh37 (hg19) VCF-style: chr4-1803705-G-T.
Other names: c.883G>T, p.Gly295Cys (NM_001163213.2, NM_001354809.2, NM_001354810.2 and 1 more transcripts); short protein forms G295C.
Identifiers: ClinVar variation 4851565 (VCV004851565.2).

ClinVar aggregate classification (germline): Conflicting classifications of pathogenicity. Review status: criteria provided, conflicting classifications (1 of 4 stars). 2 submissions from 2 submitters: Likely pathogenic (1); Uncertain significance (1). Last evaluated 2026-06-23.

Conditions:
Hypochondroplasia (HCH). Identifiers: Orphanet 429, MedGen C0410529, MONDO:0007793, OMIM 146000. Disease mechanism: gain of function.
FGFR3-related chondrodysplasia. Identifiers: Orphanet 93420, MedGen C5681604, MONDO:0019685.

Submissions (2):

Genomenon, Inc
Classification: Uncertain significance for FGFR3-related chondrodysplasia. Last evaluated: 2026-06-23. Review status: criteria provided, single submitter. Criteria: Genomenon Sequence Variant Interpretation Standards - Updated. Collection method: curation. Allele origin: germline. Affected: no.
Comment: FGFR3 p.Gly295Cys (c.883G>T) is a missense variant that changes the amino acid at codon 295 from Glycine to Cysteine. This variant has been reported in the published literature (PMID:18328977;30681580;26126848). It is absent or not present at a significant frequency in gnomAD. In silico models predict that this variant is possibly or probably damaging. In conclusion, we classify FGFR3 p.Gly295Cys (c.883G>T) as a variant of uncertain significance.

North West Genomic Laboratory Hub, Manchester University NHS Foundation Trust
Classification: Likely pathogenic for Hypochondroplasia. Last evaluated: 2026-05-27. Review status: criteria provided, single submitter. Criteria: ACGS Best Practice Guidelines for Variant Classification in Rare Disease 2024. Collection method: clinical testing. Allele origin: germline. Affected: yes.
Comment: PP4_Supp PP3_Supp PM2_Mod PS4_Supp PM1_Mod

Literature cited by the submitters: PubMed 18328977 (cited by Genomenon, Inc); PubMed 30681580 (cited by Genomenon, Inc); PubMed 26126848 (cited by Genomenon, Inc).